The following is an entry in ClinVar:

NM_022489.4(INF2):c.2494A>C (p.Asn832His)

Gene: INF2 (inverted formin 2; plus strand). Cytogenetic location: 14q32.33.
Variant type: single nucleotide variant.
Coding change: c.2494A>C on transcript NM_022489.4 (MANE Select); coding-DNA position 2494, A replaced by C.
Protein change: p.Asn832His; replaces asparagine 832 with histidine.
Molecular consequence: missense variant. On other transcripts: non-coding transcript variant (1).
Genome position (GRCh38, 1-based): chr14:104,712,437, A>C. VCF-style: chr14-104712437-A-C. GRCh37 (hg19) VCF-style: chr14-105178774-A-C.
Other names: c.2494A>C, p.Asn832His (NM_001426862.1, NM_001426863.1, NM_001426864.1 and 2 more transcripts); short protein forms N832H.
Identifiers: ClinVar variation 3758014 (VCV003758014.2).

ClinVar aggregate classification (germline): Uncertain significance (1 of 4 stars; one submission).

Conditions:
Focal segmental glomerulosclerosis 5 (FSGS5). Identifiers: Orphanet 656, MedGen C2750475, MONDO:0013191, OMIM 613237.
Charcot-Marie-Tooth disease dominant intermediate E. Also called: CHARCOT-MARIE-TOOTH NEUROPATHY WITH FOCAL SEGMENTAL GLOMERULONEPHRITIS. Identifiers: Orphanet 93114, MedGen C4302667, MONDO:0013758, OMIM 614455.

Submission:

Labcorp Genetics (formerly Invitae), Labcorp
Classification: Uncertain significance for Charcot-Marie-Tooth disease dominant intermediate E; Focal segmental glomerulosclerosis 5. Last evaluated: 2024-10-29. Review status: criteria provided, single submitter. Criteria: Invitae Variant Classification Sherloc (09022015). Collection method: clinical testing. Allele origin: germline.
Comment: This sequence change replaces asparagine, which is neutral and polar, with histidine, which is basic and polar, at codon 832 of the INF2 protein (p.Asn832His). This variant is not present in population databases (gnomAD no frequency). This variant has not been reported in the literature in individuals affected with INF2-related conditions. Invitae Evidence Modeling of protein sequence and biophysical properties (such as structural, functional, and spatial information, amino acid conservation, physicochemical variation, residue mobility, and thermodynamic stability) indicates that this missense variant is not expected to disrupt INF2 protein function with a negative predictive value of 95%. In summary, the available evidence is currently insufficient to determine the role of this variant in disease. Therefore, it has been classified as a Variant of Uncertain Significance.